The following is an entry in ClinVar:

ClinVar aggregate classification (germline): Uncertain significance. Review status: criteria provided, single submitter (1 of 4 stars). 2 submissions from 2 submitters: Uncertain significance (1). 1 of the submissions does not count toward it. Last evaluated 2018-08-26.

Conditions:
Ataxia-telangiectasia syndrome (AT). Also called: Ataxia-telangiectasia, complementation group D; AT, COMPLEMENTATION GROUP C; ATAXIA-TELANGIECTASIA, COMPLEMENTATION GROUP A; ATAXIA-TELANGIECTASIA, FRESNO VARIANT; Ataxia-telangiectasia; LOUIS-BAR SYNDROME. Identifiers: Orphanet 100, MedGen C0004135, MONDO:0008840, OMIM 208900.

Submissions (2):

Labcorp Genetics (formerly Invitae), Labcorp
Classification: Uncertain significance for Ataxia-telangiectasia syndrome. Last evaluated: 2018-08-26. Review status: criteria provided, single submitter. Criteria: Invitae Variant Classification Sherloc (09022015). Collection method: clinical testing. Allele origin: germline.
Comment: This sequence change replaces serine with threonine at codon 2215 of the ATM protein (p.Ser2215Thr). The serine residue is moderately conserved and there is a small physicochemical difference between serine and threonine. This variant is not present in population databases (ExAC no frequency). In summary, the available evidence is currently insufficient to determine the role of this variant in disease. Therefore, it has been classified as a Variant of Uncertain Significance. Algorithms developed to predict the effect of missense changes on protein structure and function output the following: SIFT: "Deleterious"; PolyPhen-2: "Possibly Damaging"; Align-GVGD: "Class C0". The threonine amino acid residue is found in multiple mammalian species, suggesting that this missense change does not adversely affect protein function. These predictions have not been confirmed by published functional studies and their clinical significance is uncertain. This variant has not been reported in the literature in individuals with ATM-related disease.

Natera, Inc.
Classification: Uncertain significance for Ataxia-telangiectasia. Last evaluated: 2021-04-07. Review status: no assertion criteria provided. Collection method: clinical testing. Allele origin: germline. Not counted in ClinVar's aggregate classification.

NM_000051.4(ATM):c.6644G>C (p.Ser2215Thr)

Genes: ATM (ATM serine/threonine kinase; plus strand), C11orf65 (chromosome 11 open reading frame 65; minus strand). Cytogenetic location: 11q22.3.
Variant type: single nucleotide variant.
Coding change: c.6644G>C on transcript NM_000051.4 (MANE Select); coding-DNA position 6644, G replaced by C.
Protein change: p.Ser2215Thr; replaces serine 2215 with threonine.
Molecular consequence: missense variant. On other transcripts: intron variant (2).
Genome position (GRCh38, 1-based): chr11:108,325,381, G>C. VCF-style: chr11-108325381-G-C. GRCh37 (hg19) VCF-style: chr11-108196108-G-C.
Other names: c.6644G>C, p.Ser2215Thr (NM_001351834.2); c.641-16310C>G (NM_001330368.2); c.*38+9839C>G (NM_001351110.2); short protein forms S2215T.
Identifiers: ClinVar variation 661565 (VCV000661565.20), dbSNP rs1591128755, ClinGen allele CA382554804.